The following is an entry in ClinVar:

ClinVar aggregate classification (germline): Uncertain significance (1 of 4 stars; one submission).

Conditions:
Intellectual disability. Also called: Intellectual functioning disability; Intellectual developmental disorder; intellectual disabilities. Identifiers: MedGen C3714756, MeSH D008607, MONDO:0001071, HP:0001249.

Allele frequency attached by ClinVar (database versions not stated): TOPMed below 0.00001.

Submission:

Labcorp Genetics (formerly Invitae), Labcorp
Classification: Uncertain significance for Intellectual disability. Last evaluated: 2022-10-26. Review status: criteria provided, single submitter. Criteria: Invitae Variant Classification Sherloc (09022015). Collection method: clinical testing. Allele origin: germline.
Comment: In summary, the available evidence is currently insufficient to determine the role of this variant in disease. Therefore, it has been classified as a Variant of Uncertain Significance. Algorithms developed to predict the effect of missense changes on protein structure and function (SIFT, PolyPhen-2, Align-GVGD) all suggest that this variant is likely to be tolerated. ClinVar contains an entry for this variant (Variation ID: 1389252). This variant has not been reported in the literature in individuals affected with GABRB2-related conditions. This variant is not present in population databases (gnomAD no frequency). This sequence change replaces valine, which is neutral and non-polar, with methionine, which is neutral and non-polar, at codon 511 of the GABRB2 protein (p.Val511Met).

NM_001371727.1(GABRB2):c.1531G>A (p.Val511Met)

Gene: GABRB2 (gamma-aminobutyric acid type A receptor subunit beta2; minus strand). Cytogenetic location: 5q34.
Variant type: single nucleotide variant.
Coding change: c.1531G>A on transcript NM_001371727.1 (MANE Select); coding-DNA position 1531, G replaced by A.
Protein change: p.Val511Met; replaces valine 511 with methionine.
Molecular consequence: missense variant.
Genome position (GRCh38, 1-based): chr5:161,294,089, C>T on the plus strand (G>A on the coding strand, the complement: GABRB2 is on the minus strand). VCF-style: chr5-161294089-C-T. GRCh37 (hg19) VCF-style: chr5-160721096-C-T.
Other names: c.1417G>A, p.Val473Met (NM_000813.3); c.1531G>A, p.Val511Met (NM_021911.3); short protein forms V511M, V473M.
Identifiers: ClinVar variation 1389252 (VCV001389252.6), dbSNP rs77133486, ClinGen allele CA131016118.
Genomic context (GRCh38, chr5:161,294,089, plus strand): 5'-ACAACTGGTTTGAGGAGGAATCTAGTCCTTGCTTCCAGTGGGAGGCCATGTTTTAGTTCA[C>T]ATAATAAAGCCAATAGACGATGTTGAAGAAGGAAAAAACCACTGGGAAGAATATGCGGGA-3'
Protein context (NP_001358656.1, residues 501-512): FFNIVYWLYY[Val511Met]N